The following is an entry in ClinVar:

ClinVar aggregate classification (germline): Uncertain significance (1 of 4 stars; one submission).

Allele frequency attached by ClinVar (database versions not stated): gnomAD exomes below 0.00001.

Submission:

Labcorp Genetics (formerly Invitae), Labcorp
Classification: Uncertain significance. Last evaluated: 2021-07-24. Review status: criteria provided, single submitter. Criteria: Invitae Variant Classification Sherloc (09022015). Collection method: clinical testing. Allele origin: germline.
Comment: This sequence change replaces asparagine with aspartic acid at codon 56 of the AGPS protein (p.Asn56Asp). The asparagine residue is weakly conserved and there is a small physicochemical difference between asparagine and aspartic acid. The frequency data for this variant in the population databases is considered unreliable, as metrics indicate insufficient coverage at this position in the ExAC database. This variant has not been reported in the literature in individuals affected with AGPS-related conditions. Algorithms developed to predict the effect of missense changes on protein structure and function (SIFT, PolyPhen-2, Align-GVGD) all suggest that this variant is likely to be tolerated. In summary, the available evidence is currently insufficient to determine the role of this variant in disease. Therefore, it has been classified as a Variant of Uncertain Significance.

NM_003659.4(AGPS):c.166A>G (p.Asn56Asp)

Genes: AGPS (alkylglycerone phosphate synthase; plus strand), LOC129935172 (ATAC-STARR-seq lymphoblastoid silent region 12147; plus strand). Cytogenetic location: 2q31.2.
Variant type: single nucleotide variant.
Coding change: c.166A>G on transcript NM_003659.4 (MANE Select); coding-DNA position 166, A replaced by G.
Protein change: p.Asn56Asp; replaces asparagine 56 with aspartic acid.
Molecular consequence: missense variant.
Genome position (GRCh38, 1-based): chr2:177,392,955, A>G. VCF-style: chr2-177392955-A-G. GRCh37 (hg19) VCF-style: chr2-178257683-A-G.
Other names: short protein forms N56D.
Identifiers: ClinVar variation 1401439 (VCV001401439.3), dbSNP rs2105576261, ClinGen allele CA349700693.
Genomic context (GRCh38, chr2:177,392,955, plus strand): 5'-CGGAGGCTGCGGGTTCTCTCTGGCCATCTGCTGGGCCGGCCCCGGGAGGCTCTGAGTACC[A>G]ATGAGTGCAAAGCGCGGAGAGCCGCGTCGGCGGCCACGGCAGCGCCCACGGCCACTCCCG-3'
Protein context (NP_003650.1, residues 46-66): LGRPREALST[Asn56Asp]ECKARRAASA